The following continues an entry in ClinVar:

NC_000011.10:g.47335082_47335083del

Gene: MYBPC3. ClinVar aggregate classification (germline): Pathogenic/Likely pathogenic. Pathogenic (22); Likely pathogenic (1).

Submissions 11 to 30 of 30:

New York Genome Center
Classification: Pathogenic for Hypertrophic cardiomyopathy 4; Left ventricular noncompaction 10. Last evaluated: 2022-08-15. Review status: criteria provided, single submitter. Criteria: NYGC Assertion Criteria 2020. Collection method: clinical testing. Allele origin: germline. Affected: yes. Observed: 1 heterozygote.
Comment: The c.2864_2865del, p.(Pro955ArgfsTer95) variant identified in the MYBPC3 gene is a deletion of two nucleotides within exon 27/35 which leads to a frameshift of the protein at amino acid 955/1275, and is predicted to lead to the premature termination of the protein approximately 95 amino acids downstream. This variant is found with low frequency in population databases gnomADv2.1.1, gnomADv3.1.2, TOPMed Freeze 8, All of Us (allele frequency=6.80e-6) suggesting it is not a common benign variant in the populations represented in those databases. This variant is reported as Pathogenic/Likely Pathogenic in ClinVar(VarID:42663) and has been reported in many individuals in the literature with cardiomyopathy [PMID:19273718, 20433692, 24510615, others]. Given its deleterious nature, low frequency in population databases, and observation in multiple affected individuals in the literature, the c.2864_2865del,p.(Pro955ArgfsTer95) variant identified in the MYBPC3 gene is reported as Pathogenic.

Genetics and Molecular Pathology, SA Pathology
Classification: Pathogenic for Hypertrophic cardiomyopathy 4. Last evaluated: 2022-04-20. Review status: criteria provided, single submitter. Criteria: ACMG Guidelines, 2015. Collection method: clinical testing. Allele origin: germline. Inheritance: Autosomal dominant inheritance. Affected: yes.

GeneDx
Classification: Pathogenic. Last evaluated: 2021-12-22. Review status: criteria provided, single submitter. Criteria: GeneDx Variant Classification Process June 2021. Collection method: clinical testing. Allele origin: germline. Affected: yes.
Comment: Published functional study demonstrated that this deletion alters calcium sensitivity and the force-generating capacity of muscle cells (van Dijk et al. 2009); Frameshift variant predicted to result in protein truncation or nonsense mediated decay in a gene for which loss-of-function is a known mechanism of disease; This variant is associated with the following publications: (PMID: 22569109, 24602869, 31513939, 31737537, 23549607, 22115648, 19356534, 21257752, 9562578, 27532257, 26914223, 19574547, 21551322, 26671970, 28794111, 28615295, 28214152, 29121657, 25351510, 20505798, 19273718, 30847666, 32480058, 27600940, 26090888, 25335496, 24793961, 24510615, 21252143, 33662488, 34540771, 31589614, 26582918, 33673806, 34135346)

Institute of Medical Genetics and Applied Genomics, University Hospital Tübingen
Classification: Pathogenic. Last evaluated: 2020-10-23. Review status: criteria provided, single submitter. Criteria: ACMG Guidelines, 2015. Collection method: clinical testing. Allele origin: germline. Inheritance: Unknown mechanism. Affected: yes.

Institute of Human Genetics Munich, TUM University Hospital
Classification: Pathogenic for Left ventricular noncompaction 10. Last evaluated: 2019-06-07. Review status: criteria provided, single submitter. Criteria: Classification criteria August 2017. Collection method: clinical testing. Allele origin: maternal. Inheritance: Autosomal dominant inheritance. Affected: yes. Observed: 1 heterozygote.

Center for Human Genetics, University of Leuven
Classification: Pathogenic for Hypertrophic cardiomyopathy. Last evaluated: 2018-10-31. Review status: criteria provided, single submitter. Criteria: ACMG Guidelines, 2015. Collection method: clinical testing. Allele origin: germline. Affected: yes.

Center of Genomic medicine, Geneva, University Hospital of Geneva
Classification: Pathogenic for Hypertrophic cardiomyopathy 4. Last evaluated: 2017-09-25. Review status: criteria provided, single submitter. Criteria: ACMG Guidelines, 2015. Collection method: clinical testing. Allele origin: paternal. Affected: yes.
Comment: This heterozygous frameshift variant in the MYBPC3 gene was identified in three members of the same family: the father, the daughter and the son.

Women's Health and Genetics/Laboratory Corporation of America, LabCorp
Classification: Pathogenic for Cardiovascular phenotype. Last evaluated: 2017-06-20. Review status: criteria provided, single submitter. Criteria: LabCorp Variant Classification Summary - May 2015. Collection method: clinical testing. Allele origin: germline.
Comment: Variant summary: The MYBPC3 c.2864_2865delCT (p.Pro955Argfs) variant results in a premature termination codon, predicted to cause a truncated or absent MYBPC3 protein due to nonsense mediated decay, which are commonly known mechanisms for disease. This variant is absent in 108262 control chromosomes. Multiple publications have cited this variant in affected individuals including its cosegregation with disease in a large HCM family (Niimura_1998). The variant of interest has been indicated to be a Dutch founder mutation (Christiaans_2010). In addition, multiple clinical diagnostic laboratories/reputable databases classified this variant as pathogenic. Taken together, this variant is classified as pathogenic.

Clinical Genetics DNA and cytogenetics Diagnostics Lab, Erasmus MC, Erasmus Medical Center
Classification: Pathogenic for Hypertrophic cardiomyopathy 4. Last evaluated: 2015-09-21. Review status: criteria provided, single submitter. Criteria: ACGS Guidelines, 2013. Collection method: clinical testing. Allele origin: germline. Affected: yes. Study: VKGL Data-share Consensus.

Laboratory for Molecular Medicine, Mass General Brigham Personalized Medicine
Classification: Pathogenic for Hypertrophic cardiomyopathy. Last evaluated: 2015-02-20. Review status: criteria provided, single submitter. Criteria: LMM Criteria. Collection method: clinical testing. Allele origin: germline. Observed: 38 variant alleles.
Comment: The p.Pro955fs variant in MYBPC3 has been identified in >20 individuals with HCM and has segregated with disease in >10 individuals across multiple families (Ch ristiaans 2010, Marston 2009, Nannenberg 2011, Niimuri 1998, Probst 2011, Richar d 2003, Rodriguez-Garcia 2010, van Dijk 2009, LMM unpublished data). This varian t has also been reported in two individuals with LVNC, both of whom carried a se cond pathogenic variant in MYBPC3 (Probst 2011, Schaefer 2014). This variant was also absent from large population studies. This frameshift variant is predicted to alter the protein?s amino acid sequence beginning at position 955 and lead t o a premature termination codon 95 amino acids downstream. This alteration is th en predicted to lead to a truncated or absent protein. Heterozygous loss of MYBP C3 function is an established disease mechanism in individuals with HCM. In summ ary, this variant meets our criteria to be classified as pathogenic for HCM in a n autosomal dominant manner b ased upon segregation studies and its predicted impact on the protein.

Genome Diagnostics Laboratory, University Medical Center Utrecht
Classification: Pathogenic for Hypertrophic cardiomyopathy 4. Last evaluated: 2014-10-10. Review status: criteria provided, single submitter. Criteria: ACGS Guidelines, 2013. Collection method: clinical testing. Allele origin: germline. Affected: yes. Study: VKGL Data-share Consensus.

Stanford Center for Inherited Cardiovascular Disease, Stanford University
Classification: Pathogenic. Last evaluated: 2014-07-17. Review status: criteria provided, single submitter. Criteria: ACMG Guidelines, 2015. Collection method: provider interpretation. Allele origin: germline.

Laboratory of Genetics and Molecular Cardiology, University of São Paulo
Classification: Likely pathogenic for Hypertrophic cardiomyopathy 4. Review status: criteria provided, single submitter. Criteria: LGCM Criteria August 2015. Collection method: clinical testing. Allele origin: germline. Inheritance: Autosomal dominant inheritance. Affected: yes. Observed: 1 variant allele. Study: Sarcomeric Human Cardiomyopathy Registry (ShaRe).

Clinical Genetics Laboratory, University Hospital Schleswig-Holstein
Classification: Pathogenic for Hypertrophic cardiomyopathy 4. Last evaluated: 2022-06-02. Review status: no assertion criteria provided. Collection method: clinical testing. Allele origin: germline. Affected: yes. Not counted in ClinVar's aggregate classification.

Agnes Ginges Centre for Molecular Cardiology, Centenary Institute
Classification: Pathogenic for Hypertrophic cardiomyopathy. Last evaluated: 2019-12-12. Review status: no assertion criteria provided. Collection method: research. Allele origin: germline. Inheritance: Autosomal dominant inheritance. Affected: yes. Not counted in ClinVar's aggregate classification.
Comment: The MYBPC3 Pro955Argfs*95 has been seen in many HCM probands, is a well established Dutch Founder and has been reported to segregate in several families. A study comparing contractile performance in cardiac muscle samples showed that Pro955Argfs*95 reduced cMyBPC protein levels. This lowered protein level resulted in a decline in the maximum force of the cells and correlated to reduced protein expression consequently altering calcium homeostasis and phospholyration (van Dijk SJ, et al., 2009). This variant is absent in the Genome Aggregation Database. We have identified this variant in 9 HCM probands (Ingles et al., 2017; Ross et al., 2017; Ingles et al., 2015). Based on the adapted ACMG guidelines (Kelly et al., 2018), this variant results in loss of function of MYBPC3 (PVS1), has been reported in more than 15 HCM probands (PS4), cosegregates with HCM in families (PP1_strong) and is rare in the general population (PM2), therefore we classify MYBPC3 Pro955Argfs*95 as "pathogenic".

OMIM
Classification: Pathogenic for LEFT VENTRICULAR NONCOMPACTION 10. Last evaluated: 2011-08-01. Review status: no assertion criteria provided. Collection method: literature only. Allele origin: germline. Not counted in ClinVar's aggregate classification.

Clinical Genetics, Academic Medical Center
Classification: Pathogenic. Review status: no assertion criteria provided. Collection method: clinical testing. Allele origin: germline. Affected: yes. Study: VKGL Data-share Consensus. Not counted in ClinVar's aggregate classification.

Diagnostic Laboratory, Department of Genetics, University Medical Center Groningen
Classification: Pathogenic for Hypertrophic cardiomyopathy 4. Review status: no assertion criteria provided. Collection method: clinical testing. Allele origin: germline. Affected: yes. Study: VKGL Data-share Consensus. Not counted in ClinVar's aggregate classification.

Joint Genome Diagnostic Labs from Nijmegen and Maastricht, Radboudumc and MUMC+
Classification: Pathogenic. Review status: no assertion criteria provided. Collection method: clinical testing. Allele origin: germline. Affected: yes. Study: VKGL Data-share Consensus. Not counted in ClinVar's aggregate classification.

Zaffran Lab, Genetics of Cardiac Diseases Laboratory, Marseille Medical Genetics
Classification: Pathogenic for hypertrophic cardiomyopathy. Review status: no assertion criteria provided. Collection method: research. Allele origin: unknown. Affected: yes. Not counted in ClinVar's aggregate classification.

Literature cited by the submitters: PubMed 19574547 (cited by 5 submitters); PubMed 19273718 (cited by 7 submitters); PubMed 20433692 (cited by 5 submitters); PubMed 21551322 (cited by 7 submitters); PubMed 9562578 (cited by 6 submitters); PubMed 20505798 (cited by 7 submitters); PubMed 24602869 (cited by 6 submitters); PubMed 19356534 (cited by Variantyx, Inc. and Agnes Ginges Centre for Molecular Cardiology, Centenary Institute); PubMed 32841044 (cited by Victorian Clinical Genetics Services, Murdoch Childrens Research Institute and All of Us Research Program, National Institutes of Health); PubMed 28615295 (cited by Victorian Clinical Genetics Services, Murdoch Childrens Research Institute and Agnes Ginges Centre for Molecular Cardiology, Centenary Institute); PubMed 12707239 (cited by 4 submitters); PubMed 22115648 (cited by 5 submitters); PubMed 34542152 (cited by Color Diagnostics, LLC DBA Color Health); PubMed 34680864 (cited by Color Diagnostics, LLC DBA Color Health); PubMed 35288587 (cited by Color Diagnostics, LLC DBA Color Health); PubMed 35626289 (cited by Color Diagnostics, LLC DBA Color Health); PubMed 35653365 (cited by Color Diagnostics, LLC DBA Color Health); PubMed 36166435 (cited by Color Diagnostics, LLC DBA Color Health); PubMed 25335496 (cited by Agnes Ginges Centre for Molecular Cardiology, Centenary Institute); PubMed 23549607 (cited by Agnes Ginges Centre for Molecular Cardiology, Centenary Institute); PubMed 24793961 (cited by Agnes Ginges Centre for Molecular Cardiology, Centenary Institute); PubMed 25631583 (cited by Agnes Ginges Centre for Molecular Cardiology, Centenary Institute); PubMed 24510615 (cited by Agnes Ginges Centre for Molecular Cardiology, Centenary Institute); PubMed 22569109 (cited by Agnes Ginges Centre for Molecular Cardiology, Centenary Institute); PubMed 23164068 (cited by Agnes Ginges Centre for Molecular Cardiology, Centenary Institute); PubMed 15519027 (cited by Agnes Ginges Centre for Molecular Cardiology, Centenary Institute); PubMed 21252143 (cited by Agnes Ginges Centre for Molecular Cardiology, Centenary Institute); PubMed 27600940 (cited by Agnes Ginges Centre for Molecular Cardiology, Centenary Institute); PubMed 25086479 (cited by Agnes Ginges Centre for Molecular Cardiology, Centenary Institute); PubMed 26090888 (cited by Agnes Ginges Centre for Molecular Cardiology, Centenary Institute); PubMed 28408708 (cited by Agnes Ginges Centre for Molecular Cardiology, Centenary Institute); PubMed 26671970 (cited by Agnes Ginges Centre for Molecular Cardiology, Centenary Institute); PubMed 28971120 (cited by Agnes Ginges Centre for Molecular Cardiology, Centenary Institute).